The following is an entry in ClinVar:

ClinVar aggregate classification (germline): Uncertain significance. Review status: criteria provided, multiple submitters, no conflicts (2 of 4 stars). 4 submissions from 4 submitters: Uncertain significance (4). Last evaluated 2025-09-09.

Conditions:
AFG2A-related disorder. Also called: AFG2A-related condition.
Microcephaly-intellectual disability-sensorineural hearing loss-epilepsy-abnormal muscle tone syndrome (NEDHSB). Also called: NEURODEVELOPMENTAL DISORDER WITH HEARING LOSS, SEIZURES, AND BRAIN ABNORMALITIES. Identifiers: Orphanet 457351, MedGen C4225276, MONDO:0014698, OMIM 616577.
Inborn genetic diseases. Identifiers: MedGen C0950123, MeSH D030342.

Allele frequency attached by ClinVar (database versions not stated): gnomAD 0.00003 and 0.00002; TOPMed 0.00004; ESP Exome Variant Server 0.00008; 1000 Genomes Project 30x 0.00016; 1000 Genomes Project 0.00020; gnomAD exomes 0.00001 and 0.00002; ExAC 0.00002.
gnomAD v4.1: 23 of 1,609,652 alleles (0.0014%); highest among the groups gnomAD compares: East Asian, 0.009%; no homozygotes.

Submissions (4):

PreventionGenetics, part of Exact Sciences
Classification: Uncertain significance for AFG2A-related condition. Last evaluated: 2025-09-09. Review status: criteria provided, single submitter. Criteria: ACMG Guidelines, 2015. Collection method: clinical testing. Allele origin: germline.
Comment: The AFG2A c.2635C>T variant is predicted to result in the amino acid substitution p.Arg879Cys. To our knowledge, this variant has not been reported in the literature. This variant is reported in 0.012% of alleles in individuals of African descent in gnomAD. At this time, the clinical significance of this variant is uncertain due to the absence of conclusive functional and genetic evidence.

Ambry Genetics
Classification: Uncertain significance for Inborn genetic diseases. Last evaluated: 2025-05-02. Review status: criteria provided, single submitter. Criteria: Ambry Variant Classification Scheme 2023. Collection method: clinical testing. Allele origin: germline.

Labcorp Genetics (formerly Invitae), Labcorp
Classification: Uncertain significance for Microcephaly-intellectual disability-sensorineural hearing loss-epilepsy-abnormal muscle tone syndrome. Last evaluated: 2022-09-27. Review status: criteria provided, single submitter. Criteria: Invitae Variant Classification Sherloc (09022015). Collection method: clinical testing. Allele origin: germline.
Comment: This sequence change replaces arginine, which is basic and polar, with cysteine, which is neutral and slightly polar, at codon 879 of the SPATA5 protein (p.Arg879Cys). The frequency data for this variant in the population databases is considered unreliable, as metrics indicate poor data quality at this position in the gnomAD database. This variant has not been reported in the literature in individuals affected with SPATA5-related conditions. ClinVar contains an entry for this variant (Variation ID: 542385). Advanced modeling of protein sequence and biophysical properties (such as structural, functional, and spatial information, amino acid conservation, physicochemical variation, residue mobility, and thermodynamic stability) has been performed at Invitae for this missense variant, however the output from this modeling did not meet the statistical confidence thresholds required to predict the impact of this variant on SPATA5 protein function. In summary, the available evidence is currently insufficient to determine the role of this variant in disease. Therefore, it has been classified as a Variant of Uncertain Significance.

GeneDx
Classification: Uncertain significance. Last evaluated: 2018-11-09. Review status: criteria provided, single submitter. Criteria: GeneDx Variant Classification Process June 2021. Collection method: clinical testing. Allele origin: germline. Affected: yes.
Comment: In silico analysis, which includes protein predictors and evolutionary conservation, supports a deleterious effect; Has not been previously published as pathogenic or benign to our knowledge

NM_145207.3(AFG2A):c.2635C>T (p.Arg879Cys)

Gene: AFG2A (AAA ATPase AFG2A; plus strand). Cytogenetic location: 4q28.1.
Variant type: single nucleotide variant.
Coding change: c.2635C>T on transcript NM_145207.3 (MANE Select); coding-DNA position 2635, C replaced by T.
Protein change: p.Arg879Cys; replaces arginine 879 with cysteine.
Molecular consequence: missense variant.
Genome position (GRCh38, 1-based): chr4:123,314,017, C>T. VCF-style: chr4-123314017-C-T. GRCh37 (hg19) VCF-style: chr4-124235172-C-T.
Other names: c.2632C>T, p.Arg878Cys (NM_001345856.2); short protein forms R879C, R878C.
Identifiers: ClinVar variation 542385 (VCV000542385.11), dbSNP rs28716389, ClinGen allele CA3070773.
Genomic context (GRCh38, chr4:123,314,017, plus strand): 5'-AAAAGACATTTCACTCAGGCCTTGAGCACTGTGACACCTAGAATTCCTGAGTCATTGAGA[C>T]GTTTTTATGAAGATTATCAAGAGAAGAGTGGGCTGCATACACTCTGAGAAAATATATATA-3'
Protein context (NP_660208.2, residues 869-889): VTPRIPESLR[Arg879Cys]FYEDYQEKSG